The following is an entry in ClinVar:

ClinVar aggregate classification (germline): Uncertain significance (1 of 4 stars; one submission).

Conditions:
Autosomal recessive distal spinal muscular atrophy 1. Also called: NEURONOPATHY, DISTAL HEREDITARY MOTOR, HARDING TYPE VI; NEUROPATHY, DISTAL HEREDITARY MOTOR, AUTOSOMAL RECESSIVE 1; NEURONOPATHY, SEVERE INFANTILE AXONAL, WITH RESPIRATORY FAILURE; SEVERE INFANTILE AXONAL NEUROPATHY WITH RESPIRATORY FAILURE; SPINAL MUSCULAR ATROPHY, DIAPHRAGMATIC; Spinal muscular atrophy with respiratory distress 1. Identifiers: Orphanet 98920, MedGen C1858517, MONDO:0011436, OMIM 604320.
Charcot-Marie-Tooth disease axonal type 2S. Also called: CHARCOT-MARIE-TOOTH DISEASE, AXONAL, AUTOSOMAL RECESSIVE, TYPE 2S; CHARCOT-MARIE-TOOTH NEUROPATHY, TYPE 2S. Identifiers: Orphanet 443073, MedGen C4015349, MONDO:0014511, OMIM 616155.

Submission:

Labcorp Genetics (formerly Invitae), Labcorp
Classification: Uncertain significance for Autosomal recessive distal spinal muscular atrophy 1; Charcot-Marie-Tooth disease axonal type 2S. Last evaluated: 2022-08-23. Review status: criteria provided, single submitter. Criteria: Invitae Variant Classification Sherloc (09022015). Collection method: clinical testing. Allele origin: germline.
Comment: In summary, the available evidence is currently insufficient to determine the role of this variant in disease. Therefore, it has been classified as a Variant of Uncertain Significance. Algorithms developed to predict the effect of sequence changes on RNA splicing suggest that this variant may disrupt the consensus splice site. Algorithms developed to predict the effect of missense changes on protein structure and function are either unavailable or do not agree on the potential impact of this missense change (SIFT: "Deleterious"; PolyPhen-2: "Probably Damaging"; Align-GVGD: "Class C0"). ClinVar contains an entry for this variant (Variation ID: 936804). This variant has not been reported in the literature in individuals affected with IGHMBP2-related conditions. This variant is not present in population databases (gnomAD no frequency). This sequence change replaces valine, which is neutral and non-polar, with leucine, which is neutral and non-polar, at codon 545 of the IGHMBP2 protein (p.Val545Leu).

NM_002180.3(IGHMBP2):c.1633G>T (p.Val545Leu)

Gene: IGHMBP2 (immunoglobulin mu DNA binding protein 2; plus strand). Cytogenetic location: 11q13.3.
Variant type: single nucleotide variant.
Coding change: c.1633G>T on transcript NM_002180.3 (MANE Select); coding-DNA position 1633, G replaced by T.
Protein change: p.Val545Leu; replaces valine 545 with leucine.
Molecular consequence: missense variant.
Genome position (GRCh38, 1-based): chr11:68,935,299, G>T. VCF-style: chr11-68935299-G-T. GRCh37 (hg19) VCF-style: chr11-68702767-G-T.
Other names: short protein forms V545L.
Identifiers: ClinVar variation 936804 (VCV000936804.10), dbSNP rs1859480727, ClinGen allele CA381651001.